The following is an entry in ClinVar:

NM_001048174.2(MUTYH):c.38G>C (p.Arg13Thr)

Gene: MUTYH (mutY DNA glycosylase; minus strand). Cytogenetic location: 1p34.1.
Variant type: single nucleotide variant.
Coding change: c.38G>C on transcript NM_001048174.2 (MANE Select); coding-DNA position 38, G replaced by C.
Protein change: p.Arg13Thr; replaces arginine 13 with threonine.
Molecular consequence: missense variant. On other transcripts: 5 prime UTR variant (7), non-coding transcript variant (7).
Genome position (GRCh38, 1-based): chr1:45,334,468, C>G on the plus strand (G>C on the coding strand, the complement: MUTYH is on the minus strand). VCF-style: chr1-45334468-C-G. GRCh37 (hg19) VCF-style: chr1-45800140-C-G.
Other names: c.38G>C, p.Arg13Thr (NM_001048171.2, NM_001048172.2, NM_001048173.2 and 15 more transcripts); c.80G>C, p.Arg27Thr (NM_001128425.2, NM_001293190.2, NM_001407069.1 and 2 more transcripts); c.-175G>C (NM_001293192.2, NM_001293196.2, NM_001407091.1); c.-234G>C (NM_001350650.2); c.-170G>C (NM_001350651.2, NM_001407082.1); c.-119G>C (NM_001407075.1); c.56G>C, p.Arg19Thr (NM_001407087.1); short protein forms R13T, R19T, R27T.
Identifiers: ClinVar variation 4113852 (VCV004113852.1).

ClinVar aggregate classification (germline): Uncertain significance (1 of 4 stars; one submission).

Conditions:
Hereditary cancer-predisposing syndrome. Also called: Hereditary neoplastic syndrome; Neoplastic Syndromes, Hereditary; Tumor predisposition; Hereditary Cancer Syndrome. Identifiers: Orphanet 140162, MedGen C0027672, MeSH D009386, MONDO:0015356.

Submission:

Ambry Genetics
Classification: Uncertain significance for Hereditary cancer-predisposing syndrome. Last evaluated: 2025-08-27. Review status: criteria provided, single submitter. Criteria: Ambry Variant Classification Scheme 2023. Collection method: clinical testing. Allele origin: germline.
Comment: The p.R27T variant (also known as c.80G>C), located in coding exon 2 of the MUTYH gene, results from a G to C substitution at nucleotide position 80. The arginine at codon 27 is replaced by threonine, an amino acid with similar properties. This amino acid position is conserved. In addition, this alteration is predicted to be tolerated by in silico analysis. Based on the available evidence, the clinical significance of this variant remains unclear.